The following is an entry in ClinVar:

ClinVar aggregate classification (germline): Uncertain significance (1 of 4 stars; one submission).

Allele frequency attached by ClinVar (database versions not stated): gnomAD exomes 0.00001; gnomAD 0.00003 and 0.00004; TOPMed 0.00005; ESP Exome Variant Server 0.00008.
gnomAD v4.1: 12 of 1,561,606 alleles (0.00077%); highest among the groups gnomAD compares: African/African-American, 0.016%; no homozygotes.

Submission:

Labcorp Genetics (formerly Invitae), Labcorp
Classification: Uncertain significance. Last evaluated: 2022-08-21. Review status: criteria provided, single submitter. Criteria: Invitae Variant Classification Sherloc (09022015). Collection method: clinical testing. Allele origin: germline.
Comment: This sequence change replaces glutamic acid, which is acidic and polar, with lysine, which is basic and polar, at codon 136 of the DDRGK1 protein (p.Glu136Lys). The frequency data for this variant in the population databases is considered unreliable, as metrics indicate poor data quality at this position in the gnomAD database. This variant has not been reported in the literature in individuals affected with DDRGK1-related conditions. ClinVar contains an entry for this variant (Variation ID: 1481341). Algorithms developed to predict the effect of missense changes on protein structure and function are either unavailable or do not agree on the potential impact of this missense change (SIFT: "Not Available"; PolyPhen-2: "Benign"; Align-GVGD: "Not Available"). Algorithms developed to predict the effect of sequence changes on RNA splicing suggest that this variant may create or strengthen a splice site. In summary, the available evidence is currently insufficient to determine the role of this variant in disease. Therefore, it has been classified as a Variant of Uncertain Significance.

NM_023935.3(DDRGK1):c.406G>A (p.Glu136Lys)

Gene: DDRGK1 (DDRGK domain containing 1; minus strand). Cytogenetic location: 20p13.
Variant type: single nucleotide variant.
Coding change: c.406G>A on transcript NM_023935.3 (MANE Select); coding-DNA position 406, G replaced by A.
Protein change: p.Glu136Lys; replaces glutamic acid 136 with lysine.
Molecular consequence: missense variant.
Genome position (GRCh38, 1-based): chr20:3,200,344, C>T on the plus strand (G>A on the coding strand, the complement: DDRGK1 is on the minus strand). VCF-style: chr20-3200344-C-T. GRCh37 (hg19) VCF-style: chr20-3180990-C-T.
Other names: short protein forms E136K.
Identifiers: ClinVar variation 1481341 (VCV001481341.3), dbSNP rs139958814, ClinGen allele CA310953340.